The following is an entry in ClinVar:

ClinVar aggregate classification (germline): Uncertain significance (1 of 4 stars; one submission).

gnomAD v4.1: 30 of 1,613,688 alleles (0.0019%); highest among the groups gnomAD compares: South Asian, 0.033%; no homozygotes.

Submission:

Labcorp Genetics (formerly Invitae), Labcorp
Classification: Uncertain significance. Last evaluated: 2025-01-06. Review status: criteria provided, single submitter. Criteria: Invitae Variant Classification Sherloc (09022015). Collection method: clinical testing. Allele origin: germline.
Comment: This sequence change replaces serine, which is neutral and polar, with arginine, which is basic and polar, at codon 1176 of the FOCAD protein (p.Ser1176Arg). This variant is present in population databases (rs754083435, gnomAD 0.02%). This variant has not been reported in the literature in individuals affected with FOCAD-related conditions. Experimental studies and prediction algorithms are not available or were not evaluated, and the functional significance of this variant is currently unknown. In summary, the available evidence is currently insufficient to determine the role of this variant in disease. Therefore, it has been classified as a Variant of Uncertain Significance.

NM_001375567.1(FOCAD):c.3526A>C (p.Ser1176Arg)

Gene: FOCAD (focadhesin; plus strand). Cytogenetic location: 9p21.3.
Variant type: single nucleotide variant.
Coding change: c.3526A>C on transcript NM_001375567.1 (MANE Select); coding-DNA position 3526, A replaced by C.
Protein change: p.Ser1176Arg; replaces serine 1176 with arginine.
Molecular consequence: missense variant.
Genome position (GRCh38, 1-based): chr9:20,944,745, A>C. VCF-style: chr9-20944745-A-C. GRCh37 (hg19) VCF-style: chr9-20944744-A-C.
Other names: c.3421A>C, p.Ser1141Arg (NM_001375568.1, NM_001375570.1); c.3526A>C, p.Ser1176Arg (NM_017794.5); short protein forms S1141R, S1176R.
Identifiers: ClinVar variation 3644686 (VCV003644686.2).
Genomic context (GRCh38, chr9:20,944,745, plus strand): 5'-ATGCAGTCCCGCGTTCACGTAGCAGCATTGCTCCGGAAGCTGTCTGCGCACGTAGATGAC[A>C]GCGGGAGCCAGAGCAGAACGTTTCAGGAGGTAAGAGATGGAGGCTACATTTTTTTCCCCT-3'
Protein context (NP_001362496.1, residues 1166-1186): LRKLSAHVDD[Ser1176Arg]GSQSRTFQEV